The following is an entry in ClinVar:

ClinVar aggregate classification (germline): Likely benign (1 of 4 stars; one submission).

Allele frequency attached by ClinVar (database versions not stated): gnomAD 0.00008; TOPMed 0.00011; ExAC 0.00012; ESP Exome Variant Server 0.00023; gnomAD exomes 0.00024.
gnomAD v4.1: 352 of 1,602,516 alleles (0.022%); highest among the groups gnomAD compares: Non-Finnish European, 0.029%; no homozygotes.

Submission:

CeGaT Center for Human Genetics Tuebingen
Classification: Likely benign. Last evaluated: 2022-08-01. Review status: criteria provided, single submitter. Criteria: CeGaT Center For Human Genetics Tuebingen Variant Classification Criteria Version 2. Collection method: clinical testing. Allele origin: germline. Affected: yes. Observed: 1 variant allele.
Comment: NCAPH2: BP4, BP7

NM_152299.4(NCAPH2):c.729A>G (p.Pro243=)

Gene: NCAPH2 (non-SMC condensin II complex subunit H2; plus strand). Cytogenetic location: 22q13.33.
Variant type: single nucleotide variant.
Coding change: c.729A>G on transcript NM_152299.4 (MANE Select); coding-DNA position 729, A replaced by G.
Protein change: p.Pro243=; no amino-acid change (proline 243 retained).
Molecular consequence: synonymous variant.
Genome position (GRCh38, 1-based): chr22:50,518,731, A>G. VCF-style: chr22-50518731-A-G. GRCh37 (hg19) VCF-style: chr22-50957160-A-G.
Other names: c.729A>G, p.Pro243= (NM_001185011.2, NM_014551.5).
Identifiers: ClinVar variation 2653398 (VCV002653398.24), dbSNP rs144020470, ClinGen allele CA10320572.